The following is an entry in ClinVar:

NM_005762.3(TRIM28):c.2078T>C (p.Val693Ala)

Gene: TRIM28 (tripartite motif containing 28; plus strand). Cytogenetic location: 19q13.43.
Variant type: single nucleotide variant.
Coding change: c.2078T>C on transcript NM_005762.3 (MANE Select); coding-DNA position 2078, T replaced by C.
Protein change: p.Val693Ala; replaces valine 693 with alanine.
Molecular consequence: missense variant.
Genome position (GRCh38, 1-based): chr19:58,549,832, T>C. VCF-style: chr19-58549832-T-C. GRCh37 (hg19) VCF-style: chr19-59061199-T-C.
Other names: c.2078T>C (NM_005762.2); short protein forms V693A.
Identifiers: ClinVar variation 2731734 (VCV002731734.24), dbSNP rs373409436, ClinGen allele CA9719464.

ClinVar aggregate classification (germline): Uncertain significance. Review status: criteria provided, multiple submitters, no conflicts (2 of 4 stars). 4 submissions from 4 submitters: Uncertain significance (4). Last evaluated 2026-10-01.

Conditions:
Predisposition to Wilms tumor.

Allele frequency attached by ClinVar (database versions not stated): gnomAD exomes 0.00008; ExAC 0.00012; TOPMed 0.00013; ESP Exome Variant Server 0.00015; gnomAD 0.00016.
gnomAD v4.1: 134 of 1,612,322 alleles (0.0083%); highest among the groups gnomAD compares: Middle Eastern, 0.049%; no homozygotes.

Submissions (4):

St. Jude Molecular Pathology, St. Jude Children's Research Hospital
Classification: Uncertain significance for Predisposition to Wilms tumor. Last evaluated: 2026-10-01. Review status: criteria provided, single submitter. Criteria: St. Jude Assertion Criteria 2020. Collection method: clinical testing. Allele origin: germline.
Comment: The TRIM28 c.2078T>C p.(Val693Ala) missense change has a maximum subpopulation frequency of 0.03% in gnomAD v2.1.1. The in silico tool REVEL predicts a benign effect on protein function, but to our knowledge this prediction has not been confirmed by functional studies. To our knowledge, this variant has not been reported in individuals with Wilms tumor. In summary, the evidence currently available is insufficient to determine the clinical significance of this variant. It has therefore been classified as of uncertain significance (VUS-Low).

Labcorp Genetics (formerly Invitae), Labcorp
Classification: Uncertain significance. Last evaluated: 2025-11-21. Review status: criteria provided, single submitter. Criteria: Invitae Variant Classification Sherloc (09022015). Collection method: clinical testing. Allele origin: germline.
Comment: This sequence change replaces valine, which is neutral and non-polar, with alanine, which is neutral and non-polar, at codon 693 of the TRIM28 protein (p.Val693Ala). This variant is present in population databases (rs373409436, gnomAD 0.03%). This variant has not been reported in the literature in individuals affected with TRIM28-related conditions. ClinVar contains an entry for this variant (Variation ID: 2731734). Experimental studies and prediction algorithms are not available or were not evaluated, and the functional significance of this variant is currently unknown. In summary, the available evidence is currently insufficient to determine the role of this variant in disease. Therefore, it has been classified as a Variant of Uncertain Significance.

Ambry Genetics
Classification: Uncertain significance. Last evaluated: 2025-05-18. Review status: criteria provided, single submitter. Criteria: Ambry Variant Classification Scheme 2023. Collection method: clinical testing. Allele origin: germline.

CeGaT Center for Human Genetics Tuebingen
Classification: Uncertain significance. Last evaluated: 2024-03-01. Review status: criteria provided, single submitter. Criteria: CeGaT Center For Human Genetics Tuebingen Variant Classification Criteria Version 2. Collection method: clinical testing. Allele origin: germline. Affected: yes. Observed: 1 variant allele.